The following is an entry in ClinVar:

NM_031407.7(HUWE1):c.329G>A (p.Arg110Gln)

Gene: HUWE1 (HECT, UBA and WWE domain containing E3 ubiquitin protein ligase 1; minus strand). Cytogenetic location: Xp11.22.
Variant type: single nucleotide variant.
Coding change: c.329G>A on transcript NM_031407.7 (MANE Select); coding-DNA position 329, G replaced by A.
Protein change: p.Arg110Gln; replaces arginine 110 with glutamine.
Molecular consequence: missense variant.
Genome position (GRCh38, 1-based): chrX:53,647,390, C>T on the plus strand (G>A on the coding strand, the complement: HUWE1 is on the minus strand). VCF-style: chrX-53647390-C-T. GRCh37 (hg19) VCF-style: chrX-53674333-C-T.
Other names: short protein forms R110Q.
Identifiers: ClinVar variation 375709 (VCV000375709.23), dbSNP rs1557036768, ClinGen allele CA413165000.

ClinVar aggregate classification (germline): Pathogenic/Likely pathogenic. Review status: criteria provided, multiple submitters, no conflicts (2 of 4 stars). 12 submissions from 12 submitters: Pathogenic (9); Likely pathogenic (1). 2 of the submissions do not count toward it. Last evaluated 2025-10-16.

Conditions:
Inborn genetic diseases. Identifiers: MedGen C0950123, MeSH D030342.
Intellectual developmental disorder, X-linked, syndromic, Turner type. Also called: Intellectual disability, X-linked syndromic, Turner type; X-linked intellectual disability, Turner type. Identifiers: Orphanet 3056, Orphanet 85328, MedGen C2678046, MONDO:0010407, OMIM 309590.
X-linked HUWE1-related intellectual disability.

Submissions (13):

Ambry Genetics
Classification: Pathogenic for Inborn genetic diseases. Last evaluated: 2025-10-16. Review status: criteria provided, single submitter. Criteria: Ambry Variant Classification Scheme 2023. Collection method: clinical testing. Allele origin: germline.
Comment: The c.329G>A (p.R110Q) alteration is located in exon 6 (coding exon 3) of the HUWE1 gene. This alteration results from a G to A substitution at nucleotide position 329, causing the arginine (R) at amino acid position 110 to be replaced by a glutamine (Q). This variant was not reported in population-based cohorts in the Genome Aggregation Database (gnomAD). This variant was reported as heterozygous in individuals with features consistent with HUWE1-related neurodevelopmental disorder and/or HUWE1-related craniosynostosis; in at least one individual, it was determined to be de novo (Taylor, 2015; Moortgat, 2018; Timberlake, 2023; Meng, 2023; Ambry internal data). This amino acid position is highly conserved in available vertebrate species. This alteration is predicted to be deleterious by in silico analysis. Based on the available evidence, this alteration is classified as pathogenic.

Division of Genetic & Genomic Pathology, Hong Kong Children's Hospital
Classification: Likely pathogenic for X-linked HUWE1-related intellectual disability. Last evaluated: 2025-03-07. Review status: criteria provided, single submitter. Criteria: ACMG Guidelines, 2015. Collection method: clinical testing. Allele origin: germline. Affected: yes.
Comment: HUWE1 c.329G>A p.(Arg110Gln) is a missense variant located in exon 6. The variant is absent from the control populations (gnomAD v2.1.1 and v4.1.0). The variant has been reported as a de novo variant in four patients with craniosynostosis (PMID: 29180823 and 37086723; ClinVar accession: VCV000375709.16). Three of the reported patients were female and all of them had skewed X chromosome inactivation with the mutant allele being preferentially expressed (PMID: 29180823). Another missense variant affecting the same amino acid residue, p.(Arg110Trp), has been reported as a de novo variant in patients with craniosynostosis (PMID: 32336296 and 37086723). For these reasons, the c.329G>A p.(Arg110Gln) variant is classified as likely pathogenic.

Laboratory of Genetics, Children's Clinical University Hospital Latvia
Classification: Pathogenic. Last evaluated: 2025-02-16. Review status: criteria provided, single submitter. Criteria: ACMG Guidelines, 2015. Collection method: clinical testing. Allele origin: germline. Affected: yes.

GeneDx
Classification: Pathogenic. Last evaluated: 2024-04-22. Review status: criteria provided, single submitter. Criteria: GeneDx Variant Classification Process June 2021. Collection method: clinical testing. Allele origin: germline. Affected: yes.
Comment: Not observed at significant frequency in large population cohorts (gnomAD); In silico analysis supports that this missense variant has a deleterious effect on protein structure/function; This variant is associated with the following publications: (PMID: 29307790, 25985138, 36939041, 30797980, 32336296, 29180823, 37086723)

Labcorp Genetics (formerly Invitae), Labcorp
Classification: Pathogenic. Last evaluated: 2024-04-15. Review status: criteria provided, single submitter. Criteria: Invitae Variant Classification Sherloc (09022015). Collection method: clinical testing. Allele origin: germline.
Comment: This sequence change replaces arginine, which is basic and polar, with glutamine, which is neutral and polar, at codon 110 of the HUWE1 protein (p.Arg110Gln). This variant is not present in population databases (gnomAD no frequency). This missense change has been observed in individual(s) with HUWE1-related conditions (PMID: 25985138, 29180823). In at least one individual the variant was observed to be de novo. ClinVar contains an entry for this variant (Variation ID: 375709). Advanced modeling of protein sequence and biophysical properties (such as structural, functional, and spatial information, amino acid conservation, physicochemical variation, residue mobility, and thermodynamic stability) performed at Invitae indicates that this missense variant is expected to disrupt HUWE1 protein function with a positive predictive value of 80%. For these reasons, this variant has been classified as Pathogenic.

Women's Health and Genetics/Laboratory Corporation of America, LabCorp
Classification: Pathogenic for Intellectual developmental disorder, X-linked, syndromic, Turner type. Last evaluated: 2022-11-22. Review status: criteria provided, single submitter. Criteria: LabCorp Variant Classification Summary - May 2015. Collection method: clinical testing. Allele origin: germline.
Comment: Variant summary: HUWE1 c.329G>A (p.Arg110Gln) results in a conservative amino acid change located in a domain of unknown function DUF908 (IPR010309) in the encoded protein sequence. Four of five in-silico tools predict a damaging effect of the variant on protein function. The variant was absent in 183017 control chromosomes (gnomAD). c.329G>A has been reported in the literature as a de novo variant in the heterozygous state in three female individuals affected with intellectual disability and craniosynostosis (e.g. Taylor_2015, Moortgat_2018). In all three cases, these individuals exhibited skewed X-inactivation of the wildtype X chromosome, resulting in preferential expression of the variant allele. These data indicate that the variant is likely associated with disease. Furthermore, a different missense change at the same amino acid, p.Arg110Trp, has been observed in at least one hemizygous male with similar clinical features (e.g. Taylor_2015). To our knowledge, no experimental evidence demonstrating an impact on protein function has been reported. Seven submitters have provided clinical-significance assessments for this variant to ClinVar after 2014 and all classified the variant as pathogenic. Based on the evidence outlined above, the variant was classified as pathogenic.

Mendelics
Classification: Pathogenic for Intellectual developmental disorder, X-linked, syndromic, Turner type. Last evaluated: 2022-05-04. Review status: criteria provided, single submitter. Criteria: Mendelics Assertion Criteria 2019. Collection method: clinical testing. Allele origin: germline.

Equipe Genetique des Anomalies du Developpement, Université de Bourgogne
Classification: Pathogenic for Intellectual developmental disorder, X-linked, syndromic, Turner type. Last evaluated: 2019-08-20. Review status: criteria provided, single submitter. Criteria: ACMG Guidelines, 2015. Collection method: clinical testing. Allele origin: de novo. Affected: yes.

Undiagnosed Diseases Network, NIH
Classification: Pathogenic for Intellectual developmental disorder, X-linked, syndromic, Turner type. Last evaluated: 2018-09-04. Review status: criteria provided, single submitter. Criteria: ACMG Guidelines, 2015. Collection method: clinical testing. Allele origin: de novo. Inheritance: X-linked inheritance. Affected: yes. Observed: 1 variant allele, 1 heterozygote.

Center for Medical Genetics and Molecular Medicine, Haukeland University Hospital
Classification: Pathogenic for Intellectual developmental disorder, X-linked, syndromic, Turner type. Last evaluated: 2017-01-18. Review status: criteria provided, single submitter. Criteria: ACMG Guidelines, 2015. Collection method: clinical testing. Allele origin: de novo. Inheritance: X-linked inheritance. Affected: no. Observed: 3 variant alleles. Clinical features observed: Learning difficulties, Scoliosis, Oligodontia, Postnatal short stature, Short distal phalanges, Hypernasal speech, Prominent eyes, Small nose, Mild Intellectual disability, Craniosynostosis, Seizures, Hearing loss, and 2 more.
Comment: ACMG evidence: PS(1), PM(2), PP(2)

OMIM
Classification: Pathogenic for INTELLECTUAL DEVELOPMENTAL DISORDER, X-LINKED, SYNDROMIC, TURNER TYPE. Last evaluated: 2021-08-20. Review status: no assertion criteria provided. Collection method: literature only. Allele origin: germline. Not counted in ClinVar's aggregate classification.

Bioscientia Institut fuer Medizinische Diagnostik GmbH, Sonic Healthcare
Classification: Pathogenic for Intellectual developmental disorder, X-linked, syndromic, Turner type. Last evaluated: 2018-03-23. Review status: no assertion criteria provided. Collection method: clinical testing. Allele origin: germline. Affected: yes. Not counted in ClinVar's aggregate classification.

Dr. Peter K. Rogan Lab, Western University
No classification provided (evidence only). Condition: Thyroid cancer, nonmedullary, 1. Review status: no classification provided. Collection method: in vitro. Allele origin: not applicable. Functional consequence: retained intron. Not counted in ClinVar's aggregate classification.

Literature cited by the submitters: PubMed 25985138 (cited by 4 submitters); PubMed 29180823 (cited by 5 submitters); PubMed 36939041 (cited by Ambry Genetics); PubMed 37086723 (cited by Ambry Genetics and Division of Genetic & Genomic Pathology, Hong Kong Children's Hospital); PubMed 32336296 (cited by Division of Genetic & Genomic Pathology, Hong Kong Children's Hospital).